The following is an entry in ClinVar:

ClinVar aggregate classification (germline): Uncertain significance (1 of 4 stars; one submission).

Conditions:
Familial hemophagocytic lymphohistiocytosis 3 (FHL3). Also called: UNC13D-Related Familial Hemophagocytic Lymphohistiocytosis (UNC13D-fHLH). Identifiers: Orphanet 540, MedGen C1837174, MONDO:0012146, OMIM 608898.

gnomAD v4.1: 3 of 1,612,696 alleles (0.00019%); highest among the groups gnomAD compares: Non-Finnish European, 0.00025%; no homozygotes.

Submission:

Labcorp Genetics (formerly Invitae), Labcorp
Classification: Uncertain significance for Familial hemophagocytic lymphohistiocytosis 3. Last evaluated: 2025-09-23. Review status: criteria provided, single submitter. Criteria: Invitae Variant Classification Sherloc (09022015). Collection method: clinical testing. Allele origin: germline.
Comment: This sequence change falls in intron 4 of the UNC13D gene. It does not directly change the encoded amino acid sequence of the UNC13D protein. It affects a nucleotide within the consensus splice site. This variant is not present in population databases (gnomAD no frequency). This variant has not been reported in the literature in individuals affected with UNC13D-related conditions. Variants that disrupt the consensus splice site are a relatively common cause of aberrant splicing (PMID: 17576681, 9536098). Algorithms developed to predict the effect of sequence changes on RNA splicing suggest that this variant is not likely to affect RNA splicing. In summary, the available evidence is currently insufficient to determine the role of this variant in disease. Therefore, it has been classified as a Variant of Uncertain Significance.

Literature cited by the submitters: PubMed 17576681; PubMed 9536098.

NM_199242.3(UNC13D):c.321+6C>T

Gene: UNC13D (unc-13 homolog D; minus strand). Cytogenetic location: 17q25.1.
Variant type: single nucleotide variant.
Coding change: c.321+6C>T on transcript NM_199242.3 (MANE Select); 6 bases into the intron after coding-DNA position 321, C replaced by T.
Molecular consequence: intron variant.
Genome position (GRCh38, 1-based): chr17:75,843,008, G>A on the plus strand (C>T on the coding strand, the complement: UNC13D is on the minus strand). VCF-style: chr17-75843008-G-A. GRCh37 (hg19) VCF-style: chr17-73839089-G-A.
Identifiers: ClinVar variation 4804963 (VCV004804963.1).